The following is an entry in ClinVar:

ClinVar aggregate classification (germline): Benign/Likely benign. Review status: criteria provided, multiple submitters, no conflicts (2 of 4 stars). 3 submissions from 3 submitters: Benign (1); Likely benign (2). Last evaluated 2025-02-27.

Conditions:
Hereditary cancer-predisposing syndrome. Also called: Neoplastic Syndromes, Hereditary; Hereditary Cancer Syndrome; Hereditary neoplastic syndrome; Tumor predisposition. Identifiers: Orphanet 140162, MedGen C0027672, MeSH D009386, MONDO:0015356.
Multiple endocrine neoplasia, type 2 (MEN2). Identifiers: Orphanet 653, MedGen C4048306, MONDO:0019003. Disease mechanism: gain of function.
Multiple endocrine neoplasia type 2A. Also called: Multiple Endocrine Neoplasia Type 2A (MEN2A); MULTIPLE ENDOCRINE NEOPLASIA, TYPE IIA; PTC SYNDROME; SIPPLE SYNDROME; MEN 2A; MEN-2A syndrome. Identifiers: Orphanet 247698, Orphanet 653, MedGen C0025268, MeSH D018813, MONDO:0008234, OMIM 171400.

Submissions (3):

Myriad Genetics, Inc.
Classification: Benign for Multiple endocrine neoplasia type 2A. Last evaluated: 2025-02-27. Review status: criteria provided, single submitter. Criteria: Myriad Autosomal Dominant, Autosomal Recessive and X-Linked Classification Criteria (2023). Collection method: clinical testing. Allele origin: unknown.
Comment: This variant is considered benign. This variant is a silent/synonymous amino acid change and it is not expected to impact splicing.

Ambry Genetics
Classification: Likely benign for Hereditary cancer-predisposing syndrome. Last evaluated: 2022-08-12. Review status: criteria provided, single submitter. Criteria: Ambry Variant Classification Scheme 2023. Collection method: clinical testing. Allele origin: germline.

Labcorp Genetics (formerly Invitae), Labcorp
Classification: Likely benign for Multiple endocrine neoplasia, type 2. Last evaluated: 2020-03-09. Review status: criteria provided, single submitter. Criteria: Invitae Variant Classification Sherloc (09022015). Collection method: clinical testing. Allele origin: germline.

NM_020975.6(RET):c.2598C>G (p.Ala866=)

Gene: RET (ret proto-oncogene; plus strand). Cytogenetic location: 10q11.21.
Variant type: single nucleotide variant.
Coding change: c.2598C>G on transcript NM_020975.6 (MANE Select); coding-DNA position 2598, C replaced by G.
Protein change: p.Ala866=; no amino-acid change (alanine 866 retained).
Molecular consequence: synonymous variant.
Genome position (GRCh38, 1-based): chr10:43,119,736, C>G. VCF-style: chr10-43119736-C-G. GRCh37 (hg19) VCF-style: chr10-43615184-C-G.
Other names: c.2598C>G, p.Ala866= (NM_000323.2, NM_001406743.1, NM_001406744.1 and 4 more transcripts); c.1836C>G, p.Ala612= (NM_001355216.2); c.2469C>G, p.Ala823= (NM_001406761.1, NM_001406762.1, NM_001406764.1); c.2463C>G, p.Ala821= (NM_001406763.1, NM_001406765.1); c.2310C>G, p.Ala770= (NM_001406766.1, NM_001406767.1, NM_001406770.1); c.2334C>G, p.Ala778= (NM_001406768.1); c.2202C>G, p.Ala734= (NM_001406769.1, NM_001406772.1); c.2160C>G, p.Ala720= (NM_001406771.1, NM_001406773.1); and 10 more.
Identifiers: ClinVar variation 1120533 (VCV001120533.13), dbSNP rs202029768, ClinGen allele CA376556808.
Genomic context (GRCh38, chr10:43,119,736, plus strand): 5'-CACCATGGGCGACCTCATCTCATTTGCCTGGCAGATCTCACAGGGGATGCAGTATCTGGC[C>G]GAGATGAAGGTGCGTGCATATGGCTCTGCACCCAGCCAGCCCCGGCCAGGCCACACCCTG-3'
Protein context (NP_066124.1, residues 856-876): WQISQGMQYL[Ala866=]EMKLVHRDLA